The following is an entry in ClinVar:

NM_001244008.2(KIF1A):c.3405C>T (p.Ser1135=)

Gene: KIF1A (kinesin family member 1A; minus strand). Cytogenetic location: 2q37.3.
Variant type: single nucleotide variant.
Coding change: c.3405C>T on transcript NM_001244008.2 (MANE Select); coding-DNA position 3405, C replaced by T.
Protein change: p.Ser1135=; no amino-acid change (serine 1135 retained).
Molecular consequence: synonymous variant.
Genome position (GRCh38, 1-based): chr2:240,745,487, G>A on the plus strand (C>T on the coding strand, the complement: KIF1A is on the minus strand). VCF-style: chr2-240745487-G-A. GRCh37 (hg19) VCF-style: chr2-241684904-G-A.
Other names: c.3405C>T (NM_001244008.1); c.3129C>T, p.Ser1043= (NM_001320705.2, NM_001330289.2, NM_001379638.1); c.3204C>T, p.Ser1068= (NM_001330290.2, NM_001379634.1, NM_001379635.1 and 1 more transcripts); c.3480C>T, p.Ser1160= (NM_001379631.1); c.3354C>T, p.Ser1118= (NM_001379632.1); c.3378C>T, p.Ser1126= (NM_001379633.1, NM_001379642.1, NM_001379645.1); c.3102C>T, p.Ser1034= (NM_001379636.1, NM_001379639.1, NM_001379641.1 and 5 more transcripts); c.3177C>T, p.Ser1059= (NM_001379637.1, NM_001379648.1); and 1 more.
Identifiers: ClinVar variation 532892 (VCV000532892.17), dbSNP rs374858877, ClinGen allele CA2207814.

ClinVar aggregate classification (germline): Conflicting classifications of pathogenicity. Review status: criteria provided, conflicting classifications (1 of 4 stars). 3 submissions from 3 submitters: Uncertain significance (1); Likely benign (1). 1 of the submissions does not count toward it. Last evaluated 2026-02-02.

Conditions:
KIF1A-related disorder. Also called: KIF1A-related disorders; KIF1A-related condition.
Neuropathy, hereditary sensory, type 2C. Also called: KIF1A-Related HSAN2 (HSAN2C); Hereditary sensory and autonomic neuropathy type IIC. Identifiers: Orphanet 970, MedGen C3280168, MONDO:0013634, OMIM 614213.
Intellectual disability, autosomal dominant 9 (NESCAVS). Also called: NESCAV SYNDROME; KIF1A-Related Neurodevelopmental Disorder. Identifiers: Orphanet 662367, MedGen C5393830, MONDO:0013656, OMIM 614255.
Hereditary spastic paraplegia 30. Identifiers: Orphanet 101010, MedGen C5235139, MONDO:0012476.

Allele frequency attached by ClinVar (database versions not stated): gnomAD 0.00005; gnomAD exomes 0.00006 and 0.00013; TOPMed 0.00007; ExAC 0.00008; ESP Exome Variant Server 0.00016.
gnomAD v4.1: 200 of 1,612,944 alleles (0.012%); highest among the groups gnomAD compares: Middle Eastern, 0.033%; no homozygotes.

Submissions (3):

Labcorp Genetics (formerly Invitae), Labcorp
Classification: Likely benign for Hereditary spastic paraplegia 30; Neuropathy, hereditary sensory, type 2C; Intellectual disability, autosomal dominant 9. Last evaluated: 2026-02-02. Review status: criteria provided, single submitter. Criteria: Invitae Variant Classification Sherloc (09022015). Collection method: clinical testing. Allele origin: germline.

Illumina Laboratory Services, Illumina
Classification: Uncertain significance for Spastic paraplegia 30A, autosomal dominant. Last evaluated: 2018-01-12. Review status: criteria provided, single submitter. Criteria: ICSL Variant Classification Criteria 13 December 2019. Collection method: clinical testing. Allele origin: germline.

PreventionGenetics, part of Exact Sciences
Classification: Likely benign for KIF1A-related condition. Last evaluated: 2019-03-26. Review status: no assertion criteria provided. Collection method: clinical testing. Allele origin: germline. Not counted in ClinVar's aggregate classification.
Comment: This variant is classified as likely benign based on ACMG/AMP sequence variant interpretation guidelines (Richards et al. 2015 PMID: 25741868, with internal and published modifications).